The following is an entry in ClinVar:

ClinVar aggregate classification (germline): Uncertain significance. Review status: criteria provided, multiple submitters, no conflicts (2 of 4 stars). 2 submissions from 2 submitters: Uncertain significance (2). Last evaluated 2024-04-25.

Conditions:
Short-rib thoracic dysplasia 18 with polydactyly. Identifiers: MedGen C4693420, MONDO:0036483, OMIM 617866.
Retinitis pigmentosa 81 (RP81). Identifiers: MedGen C4693443, MONDO:0036482, OMIM 617871.
Cranioectodermal dysplasia 3 (CED3). Identifiers: Orphanet 1515, MedGen C3279807, MONDO:0013573, OMIM 614099.

Allele frequency attached by ClinVar (database versions not stated): ExAC 0.00001; gnomAD exomes 0.00001.
gnomAD v4.1: 37 of 1,614,036 alleles (0.0023%); highest among the groups gnomAD compares: East Asian, 0.056%; 2 homozygotes.

Submissions (2):

Labcorp Genetics (formerly Invitae), Labcorp
Classification: Uncertain significance. Last evaluated: 2024-04-25. Review status: criteria provided, single submitter. Criteria: Invitae Variant Classification Sherloc (09022015). Collection method: clinical testing. Allele origin: germline.
Comment: This sequence change replaces arginine, which is basic and polar, with cysteine, which is neutral and slightly polar, at codon 12 of the IFT43 protein (p.Arg12Cys). This variant is present in population databases (rs749145719, gnomAD 0.006%). This variant has not been reported in the literature in individuals affected with IFT43-related conditions. ClinVar contains an entry for this variant (Variation ID: 1510551). An algorithm developed to predict the effect of missense changes on protein structure and function (PolyPhen-2) suggests that this variant is likely to be disruptive. In summary, the available evidence is currently insufficient to determine the role of this variant in disease. Therefore, it has been classified as a Variant of Uncertain Significance.

Fulgent Genetics
Classification: Uncertain significance for Cranioectodermal dysplasia 3; Short-rib thoracic dysplasia 18 with polydactyly; Retinitis pigmentosa 81. Last evaluated: 2022-04-14. Review status: criteria provided, single submitter. Criteria: ACMG Guidelines, 2015. Collection method: clinical testing. Allele origin: unknown.

NM_001102564.3(IFT43):c.34C>T (p.Arg12Cys)

Gene: IFT43 (intraflagellar transport 43; plus strand). Cytogenetic location: 14q24.3.
Variant type: single nucleotide variant.
Coding change: c.34C>T on transcript NM_001102564.3 (MANE Select); coding-DNA position 34, C replaced by T.
Protein change: p.Arg12Cys; replaces arginine 12 with cysteine.
Molecular consequence: missense variant. On other transcripts: non-coding transcript variant (2).
Genome position (GRCh38, 1-based): chr14:75,985,820, C>T. VCF-style: chr14-75985820-C-T. GRCh37 (hg19) VCF-style: chr14-76452163-C-T.
Other names: c.34C>T, p.Arg12Cys (NM_001255995.3, NM_052873.3); short protein forms R12C.
Identifiers: ClinVar variation 1510551 (VCV001510551.9), dbSNP rs749145719, ClinGen allele CA7280584.